The following is an entry in ClinVar:

ClinVar aggregate classification (germline): Pathogenic (1 of 4 stars; one submission).

Submission:

GeneDx
Classification: Pathogenic. Last evaluated: 2017-08-14. Review status: criteria provided, single submitter. Criteria: GeneDx Variant Classification (06012015). Collection method: clinical testing. Allele origin: germline. Affected: yes.
Comment: The c.1287dupT pathogenic variant in the ADNP gene has not been reported previously as a pathogenic variant, nor as a benign variant, to our knowledge. The c.1287dupT variant causes a frameshift starting with codon Alanine 430, changes this amino acid to a Cysteine residue, and creates a premature Stop codon at position 10 of the new reading frame, denoted p.Ala430CysfsX10. This variant is predicted to cause loss of normal protein function through protein truncation. The c.1287dupT variant is not observed in large population cohorts (Lek et al., 2016; 1000 Genomes Consortium et al., 2015; Exome Variant Server). We interpret c.1287dupT as a pathogenic variant.

NM_001282531.3(ADNP):c.1287dup (p.Ala430fs)

Gene: ADNP (activity dependent neuroprotector homeobox; minus strand). Cytogenetic location: 20q13.13.
Variant type: Duplication.
Coding change: c.1287dup on transcript NM_001282531.3 (MANE Select); coding-DNA position 1287, one base duplicated (T; older notation c.1287dupT).
Protein change: p.Ala430fs; shifts the reading frame from alanine 430.
Molecular consequence: frameshift variant.
Genome position (GRCh38, 1-based): chr20:50,893,427, A duplicated on the plus strand (T on the coding strand, the reverse complement: ADNP is on the minus strand). VCF-style (leftmost placement, unchanged base first): chr20-50893426-C-CA. GRCh37 (hg19) VCF-style: chr20-49509963-C-CA.
Other names: c.1287dup, p.Ala430fs (NM_001282532.2, NM_001347511.2, NM_015339.5 and 1 more transcripts); short protein forms A430fs.
Identifiers: ClinVar variation 451210 (VCV000451210.2), dbSNP rs1555810335, ClinGen allele CA658658875.
Genomic context (GRCh38, chr20:50,893,426, plus strand): 5'-TACATATTTTCCACTTTTGAGTTGAGGAAGTGTTACCTGGGGGAGGGCCTGTGGCAGCTG[C>CA]AGCAGGTTTGGAACTGGACTGACCTAACACTCTGGATGCCTGTGACTGAGAGAGGGAAGG-3'